The following is an entry in ClinVar:

ClinVar aggregate classification (germline): Uncertain significance (1 of 4 stars; one submission).

Conditions:
Polyglandular autoimmune syndrome, type 1 (APS1). Also called: AUTOIMMUNE POLYENDOCRINE SYNDROME, TYPE I, WITH OR WITHOUT REVERSIBLE METAPHYSEAL DYSPLASIA; Autoimmune polyendocrinopathy syndrome, type I; HYPOADRENOCORTICISM WITH HYPOPARATHYROIDISM AND SUPERFICIAL MONILIASIS; PGA I; Autoimmune polyendocrinopathy syndrome , type I, with or without reversible metaphyseal dysplasia; Autoimmune polyendocrine syndrome type 1. Identifiers: Orphanet 3453, MedGen C0085859, MONDO:0009411, OMIM 240300.

Submission:

Labcorp Genetics (formerly Invitae), Labcorp
Classification: Uncertain significance for Polyglandular autoimmune syndrome, type 1. Last evaluated: 2023-07-17. Review status: criteria provided, single submitter. Criteria: Invitae Variant Classification Sherloc (09022015). Collection method: clinical testing. Allele origin: germline.
Comment: In summary, the available evidence is currently insufficient to determine the role of this variant in disease. Therefore, it has been classified as a Variant of Uncertain Significance. Advanced modeling of protein sequence and biophysical properties (such as structural, functional, and spatial information, amino acid conservation, physicochemical variation, residue mobility, and thermodynamic stability) has been performed at Invitae for this missense variant, however the output from this modeling did not meet the statistical confidence thresholds required to predict the impact of this variant on AIRE protein function. ClinVar contains an entry for this variant (Variation ID: 2112282). This variant has not been reported in the literature in individuals affected with AIRE-related conditions. This variant is not present in population databases (gnomAD no frequency). This sequence change replaces proline, which is neutral and non-polar, with arginine, which is basic and polar, at codon 401 of the AIRE protein (p.Pro401Arg).

NM_000383.4(AIRE):c.1202C>G (p.Pro401Arg)

Gene: AIRE (autoimmune regulator; plus strand). Cytogenetic location: 21q22.3.
Variant type: single nucleotide variant.
Coding change: c.1202C>G on transcript NM_000383.4 (MANE Select); coding-DNA position 1202, C replaced by G.
Protein change: p.Pro401Arg; replaces proline 401 with arginine.
Molecular consequence: missense variant.
Genome position (GRCh38, 1-based): chr21:44,293,099, C>G. VCF-style: chr21-44293099-C-G. GRCh37 (hg19) VCF-style: chr21-45712982-C-G.
Other names: short protein forms P401R.
Identifiers: ClinVar variation 2112282 (VCV002112282.4), dbSNP rs2517884726, ClinGen allele CA410425453.
Genomic context (GRCh38, chr21:44,293,099, plus strand): 5'-CTGGGGAACCCCTAGCCGGCATGGACACGACTCTTGTCTACAAGCACCTGCCGGCTCCGC[C>G]TTCTGCAGCCCCGCTGCCAGGGCTGGACTCCTCGGCCCTGCACCCCCTACTGTGTGTGGG-3'
Protein context (NP_000374.1, residues 391-411): TLVYKHLPAP[Pro401Arg]SAAPLPGLDS